The following is an entry in ClinVar:

NM_001365536.1(SCN9A):c.5704C>T (p.Arg1902Cys)

Genes: SCN1A-AS1 (SCN1A and SCN9A antisense RNA 1; plus strand), SCN9A (sodium voltage-gated channel alpha subunit 9; minus strand). Cytogenetic location: 2q24.3.
Variant type: single nucleotide variant.
Coding change: c.5704C>T on transcript NM_001365536.1 (MANE Select); coding-DNA position 5704, C replaced by T.
Protein change: p.Arg1902Cys; replaces arginine 1902 with cysteine.
Molecular consequence: missense variant.
Genome position (GRCh38, 1-based): chr2:166,198,935, G>A on the plus strand (C>T on the coding strand, the complement: SCN9A is on the minus strand). VCF-style: chr2-166198935-G-A. GRCh37 (hg19) VCF-style: chr2-167055445-G-A.
Other names: c.5671C>T, p.Arg1891Cys (NM_002977.4); short protein forms R1891C, R1902C.
Identifiers: ClinVar variation 538446 (VCV000538446.15), dbSNP rs200956485, ClinGen allele CA1943632.
Genomic context (GRCh38, chr2:166,198,935, plus strand): 5'-TGTCTCCATCTTTTATGTATATACTTGATATATTTTTGACATTTTGCCTTAAGCGGTAAC[G>A]TCTATAAGCACGCTGAATGACAGTAGCAGACACATCCTCTTGTTTCCGTTTTAGTGTGGT-3'
Protein context (NP_001352465.1, residues 1892-1912): SATVIQRAYR[Arg1902Cys]YRLRQNVKNI

ClinVar aggregate classification (germline): Conflicting classifications of pathogenicity. Review status: criteria provided, conflicting classifications (1 of 4 stars). 4 submissions from 4 submitters: Uncertain significance (3); Likely benign (1). Last evaluated 2025-06-03.

Conditions:
Primary erythromelalgia. Also called: SCN9A Erythromelalgia (SCN9A-EM); primary erythermalgia. Identifiers: Orphanet 306577, Orphanet 90026, MedGen C0014805, MONDO:0007571, OMIM 133020.
Neuropathy, hereditary sensory and autonomic, type 2A (HSAN2A). Also called: HSAN IIA; MORVAN DISEASE; NEUROPATHY, CONGENITAL SENSORY; NEUROPATHY, HEREDITARY SENSORY RADICULAR, AUTOSOMAL RECESSIVE; NEUROPATHY, HEREDITARY SENSORY, TYPE IIA; NEUROPATHY, PROGRESSIVE SENSORY, OF CHILDREN. Identifiers: Orphanet 970, MedGen C2752089, MONDO:0024309, OMIM 201300.
Paroxysmal extreme pain disorder (PEXPD). Also called: PAIN, SUBMANDIBULAR, OCULAR, AND RECTAL, WITH FLUSHING; RECTAL PAIN, FAMILIAL; SCN9A Paroxysmal Extreme Pain Disorder (SCN9A-PEPD). Identifiers: Orphanet 46348, MedGen C1833661, MONDO:0008179, OMIM 167400.
Channelopathy-associated congenital insensitivity to pain, autosomal recessive. Also called: Insensitivity to pain, channelopathy-associated; ASYMBOLIA FOR PAIN; CONGENITAL ANALGESIA, AUTOSOMAL RECESSIVE. Identifiers: Orphanet 88642, Orphanet 970, MedGen C1855739, MONDO:0009459, OMIM 243000.
Generalized epilepsy with febrile seizures plus, type 7 (GEFSP7). Also called: GEFS+, TYPE 7. Identifiers: Orphanet 36387, MedGen C2751778, MONDO:0013470, OMIM 613863.

Allele frequency attached by ClinVar (database versions not stated): gnomAD 0.00006 and 0.00008; ExAC 0.00007; gnomAD exomes 0.00007; TOPMed 0.00007; ESP Exome Variant Server 0.00008.
gnomAD v4.1: 88 of 1,613,760 alleles (0.0055%); highest among the groups gnomAD compares: Non-Finnish European, 0.0068%; 1 homozygote.

Submissions (4):

Women's Health and Genetics/Laboratory Corporation of America, LabCorp
Classification: Uncertain significance. Last evaluated: 2025-06-03. Review status: criteria provided, single submitter. Criteria: LabCorp Variant Classification Summary - May 2015. Collection method: clinical testing. Allele origin: germline.
Comment: Variant summary: SCN9A c.5671C>T (p.Arg1891Cys) results in a non-conservative amino acid change in the encoded protein sequence. Algorithms developed to predict the effect of missense changes on protein structure and function all suggest that this variant is likely to be disruptive. The variant allele was found at a frequency of 7.2e-05 in 250106 control chromosomes. This frequency is not significantly higher than estimated for a pathogenic variant in SCN9A causing Channelopathy-Associated Congenital Insensitivity To Pain, Autosomal Recessive (7.2e-05 vs 0.0011), allowing no conclusion about variant significance. To our knowledge, no occurrence of c.5671C>T in individuals affected with Channelopathy-Associated Congenital Insensitivity To Pain, Autosomal Recessive and no experimental evidence demonstrating its impact on protein function have been reported. ClinVar contains an entry for this variant (Variation ID: 538446). Based on the evidence outlined above, the variant was classified as uncertain significance.

Labcorp Genetics (formerly Invitae), Labcorp
Classification: Likely benign for Neuropathy, hereditary sensory and autonomic, type 2A; Generalized epilepsy with febrile seizures plus, type 7. Last evaluated: 2025-04-23. Review status: criteria provided, single submitter. Criteria: Invitae Variant Classification Sherloc (09022015). Collection method: clinical testing. Allele origin: germline.

Department of Pathology and Laboratory Medicine, Sinai Health System
Classification: Uncertain significance for Primary erythromelalgia; Paroxysmal extreme pain disorder; Neuropathy, hereditary sensory and autonomic, type 2A; Channelopathy-associated congenital insensitivity to pain, autosomal recessive. Last evaluated: 2021-09-28. Review status: criteria provided, single submitter. Criteria: ACMG Guidelines, 2015. Collection method: research. Allele origin: germline.

Baylor Genetics
Classification: Uncertain significance for Generalized epilepsy with febrile seizures plus, type 7. Last evaluated: 2019-09-11. Review status: criteria provided, single submitter. Criteria: ACMG Guidelines, 2015. Collection method: clinical testing. Allele origin: unknown. Affected: yes.
Comment: This variant was determined to be of uncertain significance according to ACMG Guidelines, 2015 [PMID:25741868].